The following is an entry in ClinVar:

NM_007294.4(BRCA1):c.2327dup (p.Asp776fs)

Gene: BRCA1 (BRCA1 DNA repair associated; minus strand). Cytogenetic location: 17q21.31.
Variant type: Duplication.
Coding change: c.2327dup on transcript NM_007294.4 (MANE Select); coding-DNA position 2327, one base duplicated (A; older notation c.2327dupA).
Protein change: p.Asp776fs; shifts the reading frame from aspartic acid 776.
Molecular consequence: frameshift variant. On other transcripts: intron variant (137).
Genome position (GRCh38, 1-based): chr17:43,093,204, T duplicated on the plus strand (A on the coding strand, the reverse complement: BRCA1 is on the minus strand). VCF-style (leftmost placement, unchanged base first): chr17-43093203-A-AT. GRCh37 (hg19) VCF-style: chr17-41245220-A-AT.
Other names: c.2327dupA (NM_007294.3); c.2201dup, p.Asp734fs (NM_001407673.1, NM_001407685.1, NM_001407686.1 and 11 more transcripts); c.2204dup, p.Asp735fs (NM_001407674.1, NM_001407675.1, NM_001407676.1 and 19 more transcripts); c.2327dup, p.Asp776fs (NM_001407684.1, NM_001407854.1, NM_001407858.1 and 30 more transcripts); c.2186dup, p.Asp729fs (NM_001407692.1, NM_001407694.1, NM_001407695.1 and 29 more transcripts); c.2183dup, p.Asp728fs (NM_001407740.1, NM_001407741.1, NM_001407742.1 and 20 more transcripts); c.2114dup, p.Asp705fs (NM_001407853.1, NM_001407894.1, NM_001407895.1 and 9 more transcripts); c.2324dup, p.Asp775fs (NM_001407860.1, NM_001407861.1, NM_001407587.1 and 22 more transcripts); and 42 more; short protein forms D776fs, D729fs, D648fs, D706fs, D708fs, D735fs, D480fs, D664fs.
Identifiers: ClinVar variation 548187 (VCV000548187.2), dbSNP rs1555589901, ClinGen allele CA658824011.
Genomic context (GRCh38, chr17:43,093,203, plus strand): 5'-TGTTTTTGCCTTCCCTAGAGTGCTAACTTCCAGTAACGAGATACTTTCCTGAGTGCCATA[A>AT]TCAGTACCAGGTACCAATGAAATACTGCTACTCTCTACAGATCTTTCAGTTTGCAAAACC-3'

ClinVar aggregate classification (germline): Pathogenic (3 of 4 stars; one submission).

Conditions:
Breast-ovarian cancer, familial, susceptibility to, 1 (BROVCA1). Also called: BRCA1 Hereditary Breast and Ovarian Cancer; OVARIAN CANCER, SUSCEPTIBILITY TO. Identifiers: Orphanet 145, MedGen C2676676, MONDO:0011450, OMIM 604370. Disease mechanism: loss of function.

Submission:

Evidence-based Network for the Interpretation of Germline Mutant Alleles (ENIGMA)
Classification: Pathogenic for Breast-ovarian cancer, familial, susceptibility to, 1. Last evaluated: 2017-12-15. Review status: reviewed by expert panel. Criteria: ENIGMA BRCA1/2 Classification Criteria (2017-06-29). Collection method: curation. Allele origin: germline. Study: ENIGMA.
Comment: Variant allele predicted to encode a truncated non-functional protein.